The following is an entry in ClinVar:

ClinVar aggregate classification (germline): Likely benign (1 of 4 stars; one submission).

Conditions:
Familial cancer of breast. Also called: hereditary breast carcinoma; BREAST CANCER, FAMILIAL; Hereditary breast cancer. Identifiers: Orphanet 227535, MedGen C0346153, MONDO:0016419, OMIM 114480. Disease mechanism: loss of function.

Submission:

Myriad Genetics, Inc.
Classification: Likely benign for Familial cancer of breast. Last evaluated: 2024-06-17. Review status: criteria provided, single submitter. Criteria: Myriad Autosomal Dominant, Autosomal Recessive and X-Linked Classification Criteria (2023). Collection method: clinical testing. Allele origin: unknown.
Comment: This variant is considered likely benign. This variant is intronic and is not expected to impact mRNA splicing.

NM_000051.4(ATM):c.7789-7T>C

Genes: ATM (ATM serine/threonine kinase; plus strand), C11orf65 (chromosome 11 open reading frame 65; minus strand). Cytogenetic location: 11q22.3.
Variant type: single nucleotide variant.
Coding change: c.7789-7T>C on transcript NM_000051.4 (MANE Select); 7 bases into the intron before coding-DNA position 7789, T replaced by C.
Molecular consequence: intron variant.
Genome position (GRCh38, 1-based): chr11:108,332,755, T>C. VCF-style: chr11-108332755-T-C. GRCh37 (hg19) VCF-style: chr11-108203482-T-C.
Other names: c.7789-7T>C (NM_001351834.2); c.641-23684A>G (NM_001330368.2); c.*38+2465A>G (NM_001351110.2).
Identifiers: ClinVar variation 3253976 (VCV003253976.1), dbSNP rs2136559498.